The following is an entry in ClinVar:

NM_004415.4(DSP):c.4935G>A (p.Arg1645=)

Gene: DSP (desmoplakin; plus strand). Cytogenetic location: 6p24.3.
Variant type: single nucleotide variant.
Coding change: c.4935G>A on transcript NM_004415.4 (MANE Select); coding-DNA position 4935, G replaced by A.
Protein change: p.Arg1645=; no amino-acid change (arginine 1645 retained).
Molecular consequence: synonymous variant. On other transcripts: intron variant (2).
Genome position (GRCh38, 1-based): chr6:7,581,125, G>A. VCF-style: chr6-7581125-G-A. GRCh37 (hg19) VCF-style: chr6-7581358-G-A.
Other names: c.4050+885G>A (NM_001319034.2); c.3582+1353G>A (NM_001008844.3).
Identifiers: ClinVar variation 1089913 (VCV001089913.10), dbSNP rs751059120, ClinGen allele CA043431.

ClinVar aggregate classification (germline): Likely benign. Review status: criteria provided, multiple submitters, no conflicts (2 of 4 stars). 2 submissions from 2 submitters: Likely benign (2). Last evaluated 2023-12-13.

Conditions:
Arrhythmogenic right ventricular dysplasia 8 (ARVD8). Also called: ARRHYTHMOGENIC RIGHT VENTRICULAR DYSPLASIA, FAMILIAL, 8; ARRHYTHMOGENIC RIGHT VENTRICULAR CARDIOMYOPATHY 8; Arrhythmogenic Right Ventricular Dysplasia/Cardiomyopathy 8. Identifiers: MedGen C1843896, MONDO:0011831, OMIM 607450.
Arrhythmogenic cardiomyopathy with wooly hair and keratoderma. Also called: Arrhythmogenic cardiomyopathy with woolly hair and keratoderma; Dilated cardiomyopathy with woolly hair and keratoderma; PALMOPLANTAR KERATODERMA WITH LEFT VENTRICULAR CARDIOMYOPATHY AND WOOLLY HAIR; Carvajal syndrome. Identifiers: Orphanet 65282, MedGen C1854063, MONDO:0011581, OMIM 605676.

Allele frequency attached by ClinVar (database versions not stated): gnomAD exomes below 0.00001 and 0.00001; ExAC 0.00001.

Submissions (2):

All of Us Research Program, National Institutes of Health
Classification: Likely benign for Arrhythmogenic cardiomyopathy with wooly hair and keratoderma. Last evaluated: 2023-12-13. Review status: criteria provided, single submitter. Criteria: ACMG Guidelines, 2015. Collection method: clinical testing. Allele origin: germline. Inheritance: Autosomal dominant inheritance. Observed: 1 variant allele, 1 heterozygote.
Comment: This study involves interpretation of variants in research participants for the purpose of population health screening. Participant phenotype was not available at the time of variant classification. Additional details can be found in publication PMID: 35346344, PMCID: PMC8962531

Labcorp Genetics (formerly Invitae), Labcorp
Classification: Likely benign for Arrhythmogenic cardiomyopathy with wooly hair and keratoderma; Arrhythmogenic right ventricular dysplasia 8. Last evaluated: 2023-07-29. Review status: criteria provided, single submitter. Criteria: Invitae Variant Classification Sherloc (09022015). Collection method: clinical testing. Allele origin: germline.